The following is an entry in ClinVar:

ClinVar aggregate classification (germline): Uncertain significance (1 of 4 stars; one submission).

Conditions:
Hereditary spastic paraplegia 8 (SPG8). Also called: SPASTIC PARAPLEGIA 8, AUTOSOMAL DOMINANT. Identifiers: Orphanet 100989, MedGen C1863704, MONDO:0011339, OMIM 603563.
Ritscher-Schinzel syndrome. Also called: CRANIOCEREBELLOCARDIAC DYSPLASIA. Identifiers: Orphanet 7, MedGen C0796137, MONDO:0019078.

Allele frequency attached by ClinVar (database versions not stated): ExAC 0.00001; TOPMed 0.00005; gnomAD exomes below 0.00001; gnomAD 0.00004.
gnomAD v4.1: 12 of 1,613,962 alleles (0.00074%); highest among the groups gnomAD compares: African/African-American, 0.015%; no homozygotes.

Submission:

Labcorp Genetics (formerly Invitae), Labcorp
Classification: Uncertain significance for Ritscher-Schinzel syndrome; Hereditary spastic paraplegia 8. Last evaluated: 2024-11-18. Review status: criteria provided, single submitter. Criteria: Invitae Variant Classification Sherloc (09022015). Collection method: clinical testing. Allele origin: germline.
Comment: This sequence change replaces cysteine, which is neutral and slightly polar, with arginine, which is basic and polar, at codon 1110 of the WASHC5 protein (p.Cys1110Arg). This variant is present in population databases (rs766863272, gnomAD 0.01%). This variant has not been reported in the literature in individuals affected with WASHC5-related conditions. ClinVar contains an entry for this variant (Variation ID: 2933971). Invitae Evidence Modeling of protein sequence and biophysical properties (such as structural, functional, and spatial information, amino acid conservation, physicochemical variation, residue mobility, and thermodynamic stability) indicates that this missense variant is not expected to disrupt WASHC5 protein function with a negative predictive value of 80%. In summary, the available evidence is currently insufficient to determine the role of this variant in disease. Therefore, it has been classified as a Variant of Uncertain Significance.

NM_014846.4(WASHC5):c.3328T>C (p.Cys1110Arg)

Genes: WASHC5 (WASH complex subunit 5; minus strand), LOC126860498 (P300/CBP strongly-dependent group 1 enhancer GRCh37_chr8:126043836-126045035; plus strand). Cytogenetic location: 8q24.13.
Variant type: single nucleotide variant.
Coding change: c.3328T>C on transcript NM_014846.4 (MANE Select); coding-DNA position 3328, T replaced by C.
Protein change: p.Cys1110Arg; replaces cysteine 1110 with arginine.
Molecular consequence: missense variant.
Genome position (GRCh38, 1-based): chr8:125,032,248, A>G on the plus strand (T>C on the coding strand, the complement: WASHC5 is on the minus strand). VCF-style: chr8-125032248-A-G. GRCh37 (hg19) VCF-style: chr8-126044490-A-G.
Other names: c.2884T>C, p.Cys962Arg (NM_001330609.2); short protein forms C1110R, C962R.
Identifiers: ClinVar variation 2933971 (VCV002933971.3), dbSNP rs766863272, ClinGen allele CA4873254.
Genomic context (GRCh38, chr8:125,032,248, plus strand): 5'-AAGTTAGGTTTTGTGACAAGAAGTCCCACGTAGTCCTGGTTGGTCTTCTGTACCTTGTAC[A>G]CTGCTCCACCGTGGAGCAGATAAACTGGCCAATCAGCGCCAGGAACTGCTCGGTGTACCG-3'
Protein context (NP_055661.3, residues 1100-1120): GQFICSTVEQ[Cys1110Arg]TSQKIPEIPA